The following is an entry in ClinVar:

NM_030957.4(ADAMTS10):c.3172G>C (p.Asp1058His)

Gene: ADAMTS10 (ADAM metallopeptidase with thrombospondin type 1 motif 10; minus strand). Cytogenetic location: 19p13.2.
Variant type: single nucleotide variant.
Coding change: c.3172G>C on transcript NM_030957.4 (MANE Select); coding-DNA position 3172, G replaced by C.
Protein change: p.Asp1058His; replaces aspartic acid 1058 with histidine.
Molecular consequence: missense variant.
Genome position (GRCh38, 1-based): chr19:8,584,925, C>G on the plus strand (G>C on the coding strand, the complement: ADAMTS10 is on the minus strand). VCF-style: chr19-8584925-C-G. GRCh37 (hg19) VCF-style: chr19-8649809-C-G.
Other names: c.1633G>C, p.Asp545His (NM_001282352.2); short protein forms D1058H, D545H.
Identifiers: ClinVar variation 2111554 (VCV002111554.4), dbSNP rs992529957, ClinGen allele CA304997181.

ClinVar aggregate classification (germline): Uncertain significance (1 of 4 stars; one submission).

gnomAD v4.1: 1 of 1,548,934 alleles (0.000065%); highest among the groups gnomAD compares: Non-Finnish European, 0.000087%; no homozygotes.

Submission:

Labcorp Genetics (formerly Invitae), Labcorp
Classification: Uncertain significance. Last evaluated: 2022-03-14. Review status: criteria provided, single submitter. Criteria: Invitae Variant Classification Sherloc (09022015). Collection method: clinical testing. Allele origin: germline.
Comment: This sequence change replaces aspartic acid, which is acidic and polar, with histidine, which is basic and polar, at codon 1058 of the ADAMTS10 protein (p.Asp1058His). This variant is not present in population databases (gnomAD no frequency). This variant has not been reported in the literature in individuals affected with ADAMTS10-related conditions. Algorithms developed to predict the effect of missense changes on protein structure and function are either unavailable or do not agree on the potential impact of this missense change (SIFT: "Deleterious"; PolyPhen-2: "Benign"; Align-GVGD: "Class C0"). In summary, the available evidence is currently insufficient to determine the role of this variant in disease. Therefore, it has been classified as a Variant of Uncertain Significance.